The following is an entry in ClinVar:

ClinVar aggregate classification (germline): Uncertain significance (1 of 4 stars; one submission).

Allele frequency attached by ClinVar (database versions not stated): gnomAD exomes 0.00001.
gnomAD v4.1: 8 of 1,211,195 alleles (0.00066%); highest among the groups gnomAD compares: South Asian, 0.0018%; no homozygotes.

Submission:

Labcorp Genetics (formerly Invitae), Labcorp
Classification: Uncertain significance. Last evaluated: 2025-07-21. Review status: criteria provided, single submitter. Criteria: Invitae Variant Classification Sherloc (09022015). Collection method: clinical testing. Allele origin: germline.
Comment: This sequence change replaces arginine, which is basic and polar, with cysteine, which is neutral and slightly polar, at codon 3444 of the HUWE1 protein (p.Arg3444Cys). The frequency data for this variant in the population databases is considered unreliable, as metrics indicate poor data quality at this position in the gnomAD database. This variant has not been reported in the literature in individuals affected with HUWE1-related conditions. ClinVar contains an entry for this variant (Variation ID: 2799013). Invitae Evidence Modeling of protein sequence and biophysical properties (such as structural, functional, and spatial information, amino acid conservation, physicochemical variation, residue mobility, and thermodynamic stability) has been performed for this missense variant. However, the output from this modeling did not meet the statistical confidence thresholds required to predict the impact of this variant on HUWE1 protein function. In summary, the available evidence is currently insufficient to determine the role of this variant in disease. Therefore, it has been classified as a Variant of Uncertain Significance.

NM_031407.7(HUWE1):c.10330C>T (p.Arg3444Cys)

Gene: HUWE1 (HECT, UBA and WWE domain containing E3 ubiquitin protein ligase 1; minus strand). Cytogenetic location: Xp11.22.
Variant type: single nucleotide variant.
Coding change: c.10330C>T on transcript NM_031407.7 (MANE Select); coding-DNA position 10330, C replaced by T.
Protein change: p.Arg3444Cys; replaces arginine 3444 with cysteine.
Molecular consequence: missense variant.
Genome position (GRCh38, 1-based): chrX:53,547,979, G>A on the plus strand (C>T on the coding strand, the complement: HUWE1 is on the minus strand). VCF-style: chrX-53547979-G-A. GRCh37 (hg19) VCF-style: chrX-53574940-G-A.
Other names: short protein forms R3444C.
Identifiers: ClinVar variation 2799013 (VCV002799013.3), dbSNP rs1556924659, ClinGen allele CA413135934.
Genomic context (GRCh38, chrX:53,547,979, plus strand): 5'-GAGCAATTGAGATGAGAGAAAGGAGTCTGAGGAGTTTCTCAGTTAAGAGAGAGCTCCGGC[G>A]GATGACTGGGTGTGACAACATGTTCATGAGCTGCCCCAGTGGAGAGGCCTCGAGGCTGTA-3'
Protein context (NP_113584.3, residues 3434-3454): LMNMLSHPVI[Arg3444Cys]RSSLLTEKLL